The following is an entry in ClinVar:

ClinVar aggregate classification (germline): Uncertain significance (1 of 4 stars; one submission).

Conditions:
Hereditary cancer-predisposing syndrome. Also called: Tumor predisposition; Neoplastic Syndromes, Hereditary; Hereditary Cancer Syndrome; Hereditary neoplastic syndrome. Identifiers: Orphanet 140162, MedGen C0027672, MeSH D009386, MONDO:0015356.

gnomAD v4.1: 1 of 1,613,944 alleles (0.000062%); highest among the groups gnomAD compares: South Asian, 0.0011%; no homozygotes.

Submission:

Ambry Genetics
Classification: Uncertain significance for Hereditary cancer-predisposing syndrome. Last evaluated: 2025-02-17. Review status: criteria provided, single submitter. Criteria: Ambry Variant Classification Scheme 2023. Collection method: clinical testing. Allele origin: germline.
Comment: The p.A837V variant (also known as c.2510C>T), located in coding exon 10 of the MET gene, results from a C to T substitution at nucleotide position 2510. The alanine at codon 837 is replaced by valine, an amino acid with similar properties. This amino acid position is conserved. In addition, this alteration is predicted to be tolerated by in silico analysis. Based on the available evidence, the clinical significance of this variant remains unclear.

NM_000245.4(MET):c.2456C>T (p.Ala819Val)

Gene: MET (MET proto-oncogene, receptor tyrosine kinase; plus strand). Cytogenetic location: 7q31.2.
Variant type: single nucleotide variant.
Coding change: c.2456C>T on transcript NM_000245.4 (MANE Select); coding-DNA position 2456, C replaced by T.
Protein change: p.Ala819Val; replaces alanine 819 with valine.
Molecular consequence: missense variant.
Genome position (GRCh38, 1-based): chr7:116,763,141, C>T. VCF-style: chr7-116763141-C-T. GRCh37 (hg19) VCF-style: chr7-116403195-C-T.
Other names: c.2510C>T, p.Ala837Val (NM_001127500.3); c.2456C>T, p.Ala819Val (NM_001324401.3); c.1166C>T, p.Ala389Val (NM_001324402.2); short protein forms A389V, A819V, A837V.
Identifiers: ClinVar variation 3872393 (VCV003872393.1).
Genomic context (GRCh38, chr7:116,763,141, plus strand): 5'-TCTGTTGTACCACTCCTTCCCTGCAACAGCTGAATCTGCAACTCCCCCTGAAAACCAAAG[C>T]CTTTTTCATGTTAGATGGGATCCTTTCCAAATACTTTGATCTCATTTATGTACATAATCC-3'
Protein context (NP_000236.2, residues 809-829): LNLQLPLKTK[Ala819Val]FFMLDGILSK